The following is an entry in ClinVar:

ClinVar aggregate classification (germline): Pathogenic (1 of 4 stars; one submission).

Conditions:
Primary ciliary dyskinesia. Also called: Ciliary dyskinesia. Identifiers: Orphanet 244, MedGen C0008780, MONDO:0016575, HP:0012265.

Submission:

Labcorp Genetics (formerly Invitae), Labcorp
Classification: Pathogenic for Primary ciliary dyskinesia. Last evaluated: 2025-08-17. Review status: criteria provided, single submitter. Criteria: Invitae Variant Classification Sherloc (09022015). Collection method: clinical testing. Allele origin: germline.
Comment: This sequence change creates a premature translational stop signal (p.Lys4473Profs*22) in the DNAH11 gene. While this is not anticipated to result in nonsense mediated decay, it is expected to disrupt the last 44 amino acid(s) of the DNAH11 protein. This variant is present in population databases (rs774219990, gnomAD 0.0009%). This variant has not been reported in the literature in individuals affected with DNAH11-related conditions. This variant disrupts a region of the DNAH11 protein in which other variant(s) (p.Trp4505Serfs*10) have been determined to be pathogenic (internal data). This suggests that this is a clinically significant region of the protein, and that variants that disrupt it are likely to be disease-causing. For these reasons, this variant has been classified as Pathogenic.

NM_001277115.2(DNAH11):c.13390_13415dup (p.Lys4473fs)

Genes: CDCA7L (cell division cycle associated 7 like; minus strand), DNAH11 (dynein axonemal heavy chain 11; plus strand). Cytogenetic location: 7p15.3.
Variant type: Duplication.
Coding change: c.13390_13415dup on transcript NM_001277115.2 (MANE Select); coding-DNA positions 13390 to 13415, 26 bases duplicated (GCCACCCCCGTGGACAGACAAGAAAC).
Protein change: p.Lys4473fs; shifts the reading frame from lysine 4473.
Molecular consequence: frameshift variant. On other transcripts: 3 prime UTR variant (3).
Genome position (GRCh38, 1-based): chr7:21,901,093-21,901,118, GCCACCCCCGTGGACAGACAAGAAAC duplicated. VCF-style (leftmost placement, unchanged base first): chr7-21901092-A-AGCCACCCCCGTGGACAGACAAGAAAC. GRCh37 (hg19) VCF-style: chr7-21940710-A-AGCCACCCCCGTGGACAGACAAGAAAC.
Other names: c.*1204_*1229dup (NM_001127370.3, NM_001127371.3, NM_018719.5); short protein forms K4473fs.
Identifiers: ClinVar variation 4739848 (VCV004739848.1).